The following is an entry in ClinVar:

NM_003073.5(SMARCB1):c.-5C>G

Gene: SMARCB1 (SWI/SNF related BAF chromatin remodeling complex subunit B1; plus strand). Cytogenetic location: 22q11.23.
Variant type: single nucleotide variant.
Coding change: c.-5C>G on transcript NM_003073.5 (MANE Select); 5 bases upstream of the start codon, C replaced by G.
Molecular consequence: 5 prime UTR variant.
Genome position (GRCh38, 1-based): chr22:23,787,165, C>G. VCF-style: chr22-23787165-C-G. GRCh37 (hg19) VCF-style: chr22-24129352-C-G.
Other names: c.-5C>G (NM_001007468.3, NM_001317946.2, NM_001362877.2).
Identifiers: ClinVar variation 4170225 (VCV004170225.1).
Genomic context (GRCh38, chr22:23,787,165, plus strand): 5'-CGGCCCCGCCCCAGCCCTCCTGATCCCTCGCAGCCCGGCTCCGGCCGCCCGCCTCTGCCG[C>G]CGCAATGATGATGATGGCGCTGAGCAAGACCTTCGGGCAGAAGCCCGTGAAGTTCCAGCT-3'

ClinVar aggregate classification (germline): Uncertain significance (1 of 4 stars; one submission).

Conditions:
Hereditary cancer-predisposing syndrome. Also called: Neoplastic Syndromes, Hereditary; Tumor predisposition; Hereditary Cancer Syndrome; Hereditary neoplastic syndrome. Identifiers: Orphanet 140162, MedGen C0027672, MeSH D009386, MONDO:0015356.

Submission:

Ambry Genetics
Classification: Uncertain significance for Hereditary cancer-predisposing syndrome. Last evaluated: 2025-07-14. Review status: criteria provided, single submitter. Criteria: Ambry Variant Classification Scheme 2023. Collection method: clinical testing. Allele origin: germline.
Comment: The c.-5C>G variant is located in the 5' untranslated region (5&rsquo; UTR) of the SMARCB1 gene. This variant results from a C to G substitution 5 bases upstream from the first translated codon. This nucleotide position is well conserved in available vertebrate species. Based on the available evidence, the clinical significance of this variant remains unclear.